The following is an entry in ClinVar:

NM_000264.5(PTCH1):c.554C>T (p.Ala185Val)

Gene: PTCH1 (patched 1; minus strand). Cytogenetic location: 9q22.32.
Variant type: single nucleotide variant.
Coding change: c.554C>T on transcript NM_000264.5 (MANE Select); coding-DNA position 554, C replaced by T.
Protein change: p.Ala185Val; replaces alanine 185 with valine.
Molecular consequence: missense variant. On other transcripts: non-coding transcript variant (1).
Genome position (GRCh38, 1-based): chr9:95,485,715, G>A on the plus strand (C>T on the coding strand, the complement: PTCH1 is on the minus strand). VCF-style: chr9-95485715-G-A. GRCh37 (hg19) VCF-style: chr9-98247997-G-A.
Other names: c.356C>T, p.Ala119Val (NM_001083602.3, NM_001354919.2); c.551C>T, p.Ala184Val (NM_001083603.3); c.101C>T, p.Ala34Val (NM_001083604.3, NM_001083605.3, NM_001083606.3 and 1 more transcripts); c.554C>T, p.Ala185Val (NM_001354918.2); short protein forms A119V, A185V, A184V, A34V.
Identifiers: ClinVar variation 941085 (VCV000941085.13), dbSNP rs1276503562, ClinGen allele CA374116680.

ClinVar aggregate classification (germline): Uncertain significance. Review status: criteria provided, multiple submitters, no conflicts (2 of 4 stars). 2 submissions from 2 submitters: Uncertain significance (2). Last evaluated 2025-04-08.

Conditions:
Gorlin syndrome. Also called: Nevoid Basal Cell Carcinoma Syndrome; Basal cell nevus syndrome. Identifiers: Orphanet 377, MedGen C0004779, MONDO:0007187.
Hereditary cancer-predisposing syndrome. Also called: Tumor predisposition; Hereditary neoplastic syndrome; Neoplastic Syndromes, Hereditary; Hereditary Cancer Syndrome. Identifiers: Orphanet 140162, MedGen C0027672, MeSH D009386, MONDO:0015356.

Allele frequency attached by ClinVar (database versions not stated): TOPMed 0.00002.

Submissions (2):

Labcorp Genetics (formerly Invitae), Labcorp
Classification: Uncertain significance for Gorlin syndrome. Last evaluated: 2025-04-08. Review status: criteria provided, single submitter. Criteria: Invitae Variant Classification Sherloc (09022015). Collection method: clinical testing. Allele origin: germline.
Comment: This sequence change replaces alanine, which is neutral and non-polar, with valine, which is neutral and non-polar, at codon 185 of the PTCH1 protein (p.Ala185Val). This variant is not present in population databases (gnomAD no frequency). This variant has not been reported in the literature in individuals affected with PTCH1-related conditions. ClinVar contains an entry for this variant (Variation ID: 941085). Invitae Evidence Modeling of protein sequence and biophysical properties (such as structural, functional, and spatial information, amino acid conservation, physicochemical variation, residue mobility, and thermodynamic stability) has been performed for this missense variant. However, the output from this modeling did not meet the statistical confidence thresholds required to predict the impact of this variant on PTCH1 protein function. RNA analysis performed to evaluate the impact of this missense change on mRNA splicing indicates it does not significantly alter splicing (internal data). In summary, the available evidence is currently insufficient to determine the role of this variant in disease. Therefore, it has been classified as a Variant of Uncertain Significance.

Ambry Genetics
Classification: Uncertain significance for Hereditary cancer-predisposing syndrome. Last evaluated: 2024-09-02. Review status: criteria provided, single submitter. Criteria: Ambry Variant Classification Scheme 2023. Collection method: clinical testing. Allele origin: germline.
Comment: The p.A185V variant (also known as c.554C>T), located in coding exon 3 of the PTCH1 gene, results from a C to T substitution at nucleotide position 554. The alanine at codon 185 is replaced by valine, an amino acid with similar properties. This amino acid position is conserved. In addition, this alteration is predicted to be deleterious by in silico analysis. Since supporting evidence is limited at this time, the clinical significance of this alteration remains unclear.